The following is an entry in ClinVar:

ClinVar aggregate classification (germline): Likely pathogenic (1 of 4 stars; one submission).

Conditions:
Short-rib thoracic dysplasia 10 with or without polydactyly (SRTD10). Identifiers: Orphanet 474, MedGen C3810175, MONDO:0014284, OMIM 615630.
Retinitis pigmentosa 71 (RP71). Identifiers: Orphanet 791, MedGen C4225342, MONDO:0014618, OMIM 616394.

Submission:

Labcorp Genetics (formerly Invitae), Labcorp
Classification: Likely pathogenic for Retinitis pigmentosa 71; Short-rib thoracic dysplasia 10 with or without polydactyly. Last evaluated: 2021-02-22. Review status: criteria provided, single submitter. Criteria: Invitae Variant Classification Sherloc (09022015). Collection method: clinical testing. Allele origin: unknown.
Comment: In summary, the currently available evidence indicates that the variant is pathogenic, but additional data are needed to prove that conclusively. Therefore, this variant has been classified as Likely Pathogenic. This variant has not been reported in the literature in individuals with IFT172-related conditions. This variant results in the deletion of part of exon19 (c.1938-655_1954del) of the IFT172 gene. It is expected to disrupt RNA splicing. Variants that disrupt the donor or acceptor splice site typically lead to a loss of protein function (PMID: 16199547), and loss-of-function variants in IFT172 are known to be pathogenic (PMID: 24140113).

Literature cited by the submitters: PubMed 16199547; PubMed 24140113.

NC_000002.11:g.(?_27686032)_(27686703_?)del

Gene: IFT172 (intraflagellar transport 172; minus strand). Cytogenetic location: 2p23.3.
Variant type: Deletion.
Identifiers: ClinVar variation 3247412 (VCV003247412.1).